The following is an entry in ClinVar:

NM_000059.4(BRCA2):c.2782G>A (p.Val928Ile)

Gene: BRCA2 (BRCA2 DNA repair associated; plus strand). Cytogenetic location: 13q13.1.
Variant type: single nucleotide variant.
Coding change: c.2782G>A on transcript NM_000059.4 (MANE Select); coding-DNA position 2782, G replaced by A.
Protein change: p.Val928Ile; replaces valine 928 with isoleucine.
Molecular consequence: missense variant.
Genome position (GRCh38, 1-based): chr13:32,337,137, G>A. VCF-style: chr13-32337137-G-A. GRCh37 (hg19) VCF-style: chr13-32911274-G-A.
Other names: short protein forms V928I.
Identifiers: ClinVar variation 647905 (VCV000647905.11), dbSNP rs1593897751, ClinGen allele CA387773708.

ClinVar aggregate classification (germline): Conflicting classifications of pathogenicity. Review status: criteria provided, conflicting classifications (1 of 4 stars). 3 submissions from 3 submitters: Uncertain significance (2); Likely benign (1). Last evaluated 2024-03-05.

Conditions:
BRCA2-related cancer predisposition. Identifiers: MedGen CN377758, MONDO:0700269.
Hereditary breast ovarian cancer syndrome. Also called: Hereditary breast and ovarian cancer; Hereditary breast and ovarian cancer syndrome; BRCA1- and BRCA2-Associated Hereditary Breast and Ovarian Cancer; Hereditary breast and ovarian cancer syndrome (HBOC); Breast and ovarian cancer; Hereditary breast and/or ovarian cancer syndrome. Identifiers: Orphanet 145, MedGen C0677776, MeSH D061325, MONDO:0003582. Disease mechanism: loss of function.
Hereditary cancer-predisposing syndrome. Also called: Hereditary Cancer Syndrome; Tumor predisposition; Hereditary neoplastic syndrome; Neoplastic Syndromes, Hereditary. Identifiers: Orphanet 140162, MedGen C0027672, MeSH D009386, MONDO:0015356.

Submissions (3):

All of Us Research Program, National Institutes of Health
Classification: Uncertain significance for BRCA2-related cancer predisposition. Last evaluated: 2024-03-05. Review status: criteria provided, single submitter. Criteria: ACMG Guidelines, 2015. Collection method: clinical testing. Allele origin: germline. Inheritance: Autosomal dominant inheritance. Observed: 1 variant allele, 1 heterozygote.
Comment: This study involves interpretation of variants in research participants for the purpose of population health screening. Participant phenotype was not available at the time of variant classification. Additional details can be found in publication PMID: 35346344, PMCID: PMC8962531

University of Washington Department of Laboratory Medicine, University of Washington
Classification: Likely benign for Hereditary cancer-predisposing syndrome. Last evaluated: 2023-03-23. Review status: criteria provided, single submitter. Criteria: Dines et al. (Genet Med. 2020). Collection method: curation. Allele origin: germline.
Comment: Missense variant in a coldspot region where missense variants are very unlikely to be pathogenic (PMID:31911673).

BRCA2 exon 11 coldspot. Reclassification based on statistical prior probability.

Labcorp Genetics (formerly Invitae), Labcorp
Classification: Uncertain significance for Hereditary breast ovarian cancer syndrome. Last evaluated: 2018-11-28. Review status: criteria provided, single submitter. Criteria: Invitae Variant Classification Sherloc (09022015). Collection method: clinical testing. Allele origin: germline.
Comment: In summary, this variant is a novel missense change that is not predicted to affect protein function. There is no indication that it causes disease, but the available evidence is currently insufficient to prove that conclusively. Therefore, it has been classified as a Variant of Uncertain Significance. Algorithms developed to predict the effect of missense changes on protein structure and function (SIFT, PolyPhen-2, Align-GVGD) all suggest that this variant is likely to be tolerated, but these predictions have not been confirmed by published functional studies. This variant is not present in population databases (ExAC no frequency) and has not been reported in the literature in individuals with a BRCA2-related disease. This sequence change replaces valine with isoleucine at codon 928 of the BRCA2 protein (p.Val928Ile). The valine residue is weakly conserved and there is a small physicochemical difference between valine and isoleucine.